The following is an entry in ClinVar:

NM_004036.5(ADCY3):c.693C>T (p.Phe231=)

Gene: ADCY3 (adenylate cyclase 3; minus strand). Cytogenetic location: 2p23.3.
Variant type: single nucleotide variant.
Coding change: c.693C>T on transcript NM_004036.5 (MANE Select); coding-DNA position 693, C replaced by T.
Protein change: p.Phe231=; no amino-acid change (phenylalanine 231 retained).
Molecular consequence: synonymous variant. On other transcripts: 5 prime UTR variant (1).
Genome position (GRCh38, 1-based): chr2:24,872,702, G>A on the plus strand (C>T on the coding strand, the complement: ADCY3 is on the minus strand). VCF-style: chr2-24872702-G-A. GRCh37 (hg19) VCF-style: chr2-25095571-G-A.
Other names: c.693C>T, p.Phe231= (NM_001320613.2, NM_001377128.1, NM_001377129.1 and 2 more transcripts); c.-31C>T (NM_001377131.1).
Identifiers: ClinVar variation 3351555 (VCV003351555.1).

ClinVar aggregate classification (germline): Likely benign (0 of 4 stars; one submission).

Conditions:
ADCY3-related disorder. Also called: ADCY3-related condition.

gnomAD v4.1: 20 of 1,613,932 alleles (0.0012%); highest among the groups gnomAD compares: South Asian, 0.012%; no homozygotes.

Submission:

PreventionGenetics, part of Exact Sciences
Classification: Likely benign for ADCY3-related condition. Last evaluated: 2020-08-17. Review status: no assertion criteria provided. Collection method: clinical testing. Allele origin: germline.
Comment: This variant is classified as likely benign based on ACMG/AMP sequence variant interpretation guidelines (Richards et al. 2015 PMID: 25741868, with internal and published modifications).